The following is an entry in ClinVar:

NM_001184.4(ATR):c.7067G>A (p.Arg2356His)

Gene: ATR (ATR checkpoint kinase; minus strand). Cytogenetic location: 3q23.
Variant type: single nucleotide variant.
Coding change: c.7067G>A on transcript NM_001184.4 (MANE Select); coding-DNA position 7067, G replaced by A.
Protein change: p.Arg2356His; replaces arginine 2356 with histidine.
Molecular consequence: missense variant.
Genome position (GRCh38, 1-based): chr3:142,462,065, C>T on the plus strand (G>A on the coding strand, the complement: ATR is on the minus strand). VCF-style: chr3-142462065-C-T. GRCh37 (hg19) VCF-style: chr3-142180907-C-T.
Other names: c.6875G>A, p.Arg2292His (NM_001354579.2); short protein forms R2292H, R2356H.
Identifiers: ClinVar variation 3132104 (VCV003132104.2), dbSNP rs751772547, ClinGen allele CA2649208.
Genomic context (GRCh38, chr3:142,462,065, plus strand): 5'-ATCCCACATTCATCATTTAGTGGAATAACTGCATATGTTCGAATATGAAGTTCTCTTCTA[C>T]GAGACTCTGCATCTTTTCTTAAGCACTGTTAAAAAATACACATAAATTTAAAAACAAGAT-3'
Protein context (NP_001175.2, residues 2346-2366): NKCLRKDAES[Arg2356His]RRELHIRTYA

ClinVar aggregate classification (germline): Uncertain significance. Review status: criteria provided, multiple submitters, no conflicts (2 of 4 stars). 2 submissions from 2 submitters: Uncertain significance (2). Last evaluated 2024-04-22.

Conditions:
Inborn genetic diseases. Identifiers: MedGen C0950123, MeSH D030342.

Allele frequency attached by ClinVar (database versions not stated): gnomAD exomes below 0.00001; ExAC 0.00001; gnomAD 0.00002; TOPMed 0.00002.
gnomAD v4.1: 9 of 1,612,498 alleles (0.00056%); highest among the groups gnomAD compares: Admixed American, 0.0033%; no homozygotes.

Submissions (2):

Labcorp Genetics (formerly Invitae), Labcorp
Classification: Uncertain significance. Last evaluated: 2024-04-22. Review status: criteria provided, single submitter. Criteria: Invitae Variant Classification Sherloc (09022015). Collection method: clinical testing. Allele origin: germline.
Comment: This sequence change replaces arginine, which is basic and polar, with histidine, which is basic and polar, at codon 2356 of the ATR protein (p.Arg2356His). This variant is present in population databases (rs751772547, gnomAD 0.006%). This variant has not been reported in the literature in individuals affected with ATR-related conditions. An algorithm developed to predict the effect of missense changes on protein structure and function (PolyPhen-2) suggests that this variant is likely to be disruptive. In summary, the available evidence is currently insufficient to determine the role of this variant in disease. Therefore, it has been classified as a Variant of Uncertain Significance.

Ambry Genetics
Classification: Uncertain significance for Inborn genetic diseases. Last evaluated: 2024-02-12. Review status: criteria provided, single submitter. Criteria: Ambry Variant Classification Scheme 2023. Collection method: clinical testing. Allele origin: germline.